The following is an entry in ClinVar:

ClinVar aggregate classification (germline): Benign (1 of 4 stars; one submission).

Conditions:
Fleck corneal dystrophy (CFD). Also called: CORNEAL DYSTROPHY, FRANCOIS-NEETENS SPECKLED OR FLECKED. Identifiers: Orphanet 98970, MedGen C1562113, MONDO:0007376, OMIM 121850.

Allele frequency attached by ClinVar (database versions not stated): gnomAD 0.00393 and 0.00425; TOPMed 0.00455; 1000 Genomes Project 0.00459; 1000 Genomes Project 30x 0.00593.
gnomAD v4.1: 1,009 of 1,147,616 alleles (0.088%); highest among the groups gnomAD compares: African/African-American, 1.4%; 6 homozygotes.

Submission:

Illumina Laboratory Services, Illumina
Classification: Benign for Fleck corneal dystrophy. Last evaluated: 2018-01-12. Review status: criteria provided, single submitter. Criteria: ICSL Variant Classification Criteria 13 December 2019. Collection method: clinical testing. Allele origin: germline.
Comment: This variant was observed in the ICSL laboratory as part of a predisposition screen in an ostensibly healthy population. It had not been previously curated by ICSL or reported in the Human Gene Mutation Database (HGMD: prior to June 1st, 2018), and was therefore a candidate for classification through an automated scoring system. Utilizing variant allele frequency, disease prevalence and penetrance estimates, and inheritance mode, an automated score was calculated to assess if this variant is too frequent to cause the disease. Based on the score and internal cut-off values, a variant classified as benign is not then subjected to further curation. The score for this variant resulted in a classification of benign for this disease.

NM_015040.4(PIKFYVE):c.*78T>C

Gene: PIKFYVE (phosphoinositide kinase, FYVE-type zinc finger containing; plus strand). Cytogenetic location: 2q34.
Variant type: single nucleotide variant.
Coding change: c.*78T>C on transcript NM_015040.4 (MANE Select); 78 bases downstream of the stop codon, T replaced by C.
Molecular consequence: 3 prime UTR variant.
Genome position (GRCh38, 1-based): chr2:208,355,383, T>C. VCF-style: chr2-208355383-T-C. GRCh37 (hg19) VCF-style: chr2-209220107-T-C.
Identifiers: ClinVar variation 333940 (VCV000333940.5), dbSNP rs115754381, ClinGen allele CA10612645.